The following is an entry in ClinVar:

NM_015215.4(CAMTA1):c.927G>A (p.Ser309=)

Gene: CAMTA1 (calmodulin binding transcription activator 1; plus strand). Cytogenetic location: 1p36.23.
Variant type: single nucleotide variant.
Coding change: c.927G>A on transcript NM_015215.4 (MANE Select); coding-DNA position 927, G replaced by A.
Protein change: p.Ser309=; no amino-acid change (serine 309 retained).
Molecular consequence: synonymous variant.
Genome position (GRCh38, 1-based): chr1:7,663,474, G>A. VCF-style: chr1-7663474-G-A. GRCh37 (hg19) VCF-style: chr1-7723534-G-A.
Other names: p.Ser309=; c.927G>A (NM_015215.3); c.837G>A, p.Ser279= (NM_001349608.2, NM_001349612.2); c.927G>A, p.Ser309= (NM_001349609.2, NM_001349610.2, NM_001410737.1); c.855G>A, p.Ser285= (NM_001410738.1).
Identifiers: ClinVar variation 2112266 (VCV002112266.8), dbSNP rs3737907, ClinGen allele CA566329.

ClinVar aggregate classification (germline): Benign. Review status: criteria provided, multiple submitters, no conflicts (2 of 4 stars). 4 submissions from 4 submitters: Benign (3). 1 of the submissions does not count toward it. Last evaluated 2026-02-02.

Conditions:
CAMTA1-related disorder. Also called: CAMTA1-related condition.

Allele frequency attached by ClinVar (database versions not stated): ESP Exome Variant Server 0.09057; gnomAD 0.10961; ExAC 0.11890; TOPMed 0.12757; 1000 Genomes Project 0.15296; 1000 Genomes Project 30x 0.15662.
gnomAD v4.1: 132,553 of 1,596,440 alleles (8.3%); highest among the groups gnomAD compares: Admixed American, 29%; 8,377 homozygotes.

Submissions (4):

Labcorp Genetics (formerly Invitae), Labcorp
Classification: Benign. Last evaluated: 2026-02-02. Review status: criteria provided, single submitter. Criteria: Invitae Variant Classification Sherloc (09022015). Collection method: clinical testing. Allele origin: germline.

Blueprint Genetics
Classification: Benign. Last evaluated: 2024-11-26. Review status: criteria provided, single submitter. Criteria: ACMG Guidelines, 2015. Collection method: clinical testing. Allele origin: germline.

Mayo Clinic Laboratories, Mayo Clinic
Classification: Benign. Last evaluated: 2022-03-24. Review status: criteria provided, single submitter. Criteria: ACMG Guidelines, 2015. Collection method: clinical testing. Allele origin: germline. Observed: 73 variant alleles.

PreventionGenetics, part of Exact Sciences
Classification: Benign for CAMTA1-related condition. Last evaluated: 2019-05-08. Review status: no assertion criteria provided. Collection method: clinical testing. Allele origin: germline. Not counted in ClinVar's aggregate classification.
Comment: This variant is classified as benign based on ACMG/AMP sequence variant interpretation guidelines (Richards et al. 2015 PMID: 25741868, with internal and published modifications).